The following is an entry in ClinVar:

NM_020964.3(EPG5):c.2672T>G (p.Leu891Arg)

Gene: EPG5 (ectopic P-granules 5 autophagy tethering factor; minus strand). Cytogenetic location: 18q21.1.
Variant type: single nucleotide variant.
Coding change: c.2672T>G on transcript NM_020964.3 (MANE Select); coding-DNA position 2672, T replaced by G.
Protein change: p.Leu891Arg; replaces leucine 891 with arginine.
Molecular consequence: missense variant.
Genome position (GRCh38, 1-based): chr18:45,925,784, A>C on the plus strand (T>G on the coding strand, the complement: EPG5 is on the minus strand). VCF-style: chr18-45925784-A-C. GRCh37 (hg19) VCF-style: chr18-43505750-A-C.
Other names: short protein forms L891R.
Identifiers: ClinVar variation 1524767 (VCV001524767.6), dbSNP rs2145782672, ClinGen allele CA402345740.

ClinVar aggregate classification (germline): Uncertain significance (1 of 4 stars; one submission).

Conditions:
Vici syndrome (VICIS). Identifiers: Orphanet 1493, MedGen C1855772, MONDO:0009452, OMIM 242840.

Submission:

Labcorp Genetics (formerly Invitae), Labcorp
Classification: Uncertain significance for Vici syndrome. Last evaluated: 2021-08-31. Review status: criteria provided, single submitter. Criteria: Invitae Variant Classification Sherloc (09022015). Collection method: clinical testing. Allele origin: germline.
Comment: This sequence change replaces leucine with arginine at codon 891 of the EPG5 protein (p.Leu891Arg). The leucine residue is moderately conserved and there is a moderate physicochemical difference between leucine and arginine. This variant is not present in population databases (ExAC no frequency). This variant has not been reported in the literature in individuals affected with EPG5-related conditions. Algorithms developed to predict the effect of missense changes on protein structure and function are either unavailable or do not agree on the potential impact of this missense change (SIFT: "Deleterious"; PolyPhen-2: "Probably Damaging"; Align-GVGD: "Class C0"). In summary, the available evidence is currently insufficient to determine the role of this variant in disease. Therefore, it has been classified as a Variant of Uncertain Significance.